The following is an entry in ClinVar:

NM_003466.4(PAX8):c.898+1G>C

Genes: PAX8 (paired box 8; minus strand), PAX8-AS1 (PAX8 antisense RNA 1; plus strand). Cytogenetic location: 2q14.1.
Variant type: single nucleotide variant.
Coding change: c.898+1G>C on transcript NM_003466.4 (MANE Select); the canonical splice donor site of the intron after coding-DNA position 898, G replaced by C.
Molecular consequence: splice donor variant. On other transcripts: non-coding transcript variant (1), intron variant (2).
Genome position (GRCh38, 1-based): chr2:113,236,600, C>G on the plus strand (G>C on the coding strand, the complement: PAX8 is on the minus strand). VCF-style: chr2-113236600-C-G. GRCh37 (hg19) VCF-style: chr2-113994177-C-G.
Other names: c.777+4951G>C (NM_013992.4, NM_013953.4); c.898+1G>C (NM_013952.4).
Identifiers: ClinVar variation 3776267 (VCV003776267.1).

ClinVar aggregate classification (germline): Likely pathogenic (1 of 4 stars; one submission).

Conditions:
Hypothyroidism, congenital, nongoitrous, 2 (CHNG2). Also called: Hypothyroidism, congenital, due to thyroid dysgenesis or hypoplasia. Identifiers: Orphanet 95712, MedGen C1869118, MONDO:0024264, OMIM 218700.

gnomAD v4.1: 1 of 1,572,176 alleles (0.000064%); highest among the groups gnomAD compares: Non-Finnish European, 0.000086%; no homozygotes.

Submission:

3billion
Classification: Likely pathogenic for Hypothyroidism, congenital, nongoitrous, 2. Last evaluated: 2023-08-14. Review status: criteria provided, single submitter. Criteria: ACMG Guidelines, 2015. Collection method: clinical testing. Allele origin: germline. Affected: yes.
Comment: The variant is not observed in the gnomAD v2.1.1 dataset. Predicted Consequence/Location: Canonical splice site: predicted to alter splicing and result in a loss or disruption of normal protein function. While the contribution of LOF variants in PAX8 to 'Hypothyroidism, congenital, due to thyroid dysgenesis or hypoplasia (OMIM: 218700)' is incompletely understood, high pLI score or previously reported LOF variants in patients provide evidence supporting these variants as a mechanism of disease. Canonical splice site: predicted to alter splicing and result in a loss or disruption of normal protein function. While the contribution of LOF variants in PAX8 to 'Hypothyroidism, congenital, due to thyroid dysgenesis or hypoplasia (OMIM: 218700)' is incompletely understood, high pLI score or previously reported LOF variants in patients provide evidence supporting these variants as a mechanism of disease. Therefore, this variant is classified as VUS according to the recommendation of ACMG/AMP guideline.